The following is an entry in ClinVar:

ClinVar aggregate classification (germline): Uncertain significance. Review status: criteria provided, multiple submitters, no conflicts (2 of 4 stars). 4 submissions from 4 submitters: Uncertain significance (4). Last evaluated 2026-02-10.

Conditions:
AFF4-related disorder. Also called: AFF4-related condition.
Inborn genetic diseases. Identifiers: MedGen C0950123, MeSH D030342.
Cognitive impairment - coarse facies - heart defects - obesity - pulmonary involvement - short stature - skeletal dysplasia syndrome. Also called: Chops syndrome; COGNITIVE IMPAIRMENT, COARSE FACIES, HEART DEFECTS, OBESITY, PULMONARY INVOLVEMENT, SHORT STATURE, AND SKELETAL DYSPLASIA; AFF4-Related CHOPS Syndrome. Identifiers: Orphanet 444077, MedGen C4085597, MONDO:0014609, OMIM 616368.

gnomAD v4.1: 7 of 1,614,064 alleles (0.00043%); highest among the groups gnomAD compares: Middle Eastern, 0.049%; no homozygotes.

Submissions (4):

PreventionGenetics, part of Exact Sciences
Classification: Uncertain significance for AFF4-related condition. Last evaluated: 2026-02-10. Review status: criteria provided, single submitter. Criteria: ACMG Guidelines, 2015. Collection method: clinical testing. Allele origin: germline.
Comment: The AFF4 c.830G>T variant is predicted to result in the amino acid substitution p.Ser277Ile. To our knowledge, this variant has not been reported in the literature or in a large population database (gnomAD), indicating this variant is rare. At this time, the clinical significance of this variant is uncertain due to the absence of conclusive functional and genetic evidence.

Ambry Genetics
Classification: Uncertain significance for Inborn genetic diseases. Last evaluated: 2025-06-18. Review status: criteria provided, single submitter. Criteria: Ambry Variant Classification Scheme 2023. Collection method: clinical testing. Allele origin: germline.

Labcorp Genetics (formerly Invitae), Labcorp
Classification: Uncertain significance for Cognitive impairment - coarse facies - heart defects - obesity - pulmonary involvement - short stature - skeletal dysplasia syndrome. Last evaluated: 2024-08-29. Review status: criteria provided, single submitter. Criteria: Invitae Variant Classification Sherloc (09022015). Collection method: clinical testing. Allele origin: germline.
Comment: This sequence change replaces serine, which is neutral and polar, with isoleucine, which is neutral and non-polar, at codon 277 of the AFF4 protein (p.Ser277Ile). This variant is not present in population databases (gnomAD no frequency). This variant has not been reported in the literature in individuals affected with AFF4-related conditions. ClinVar contains an entry for this variant (Variation ID: 1445144). Invitae Evidence Modeling of protein sequence and biophysical properties (such as structural, functional, and spatial information, amino acid conservation, physicochemical variation, residue mobility, and thermodynamic stability) indicates that this missense variant is expected to disrupt AFF4 protein function with a positive predictive value of 80%. In summary, the available evidence is currently insufficient to determine the role of this variant in disease. Therefore, it has been classified as a Variant of Uncertain Significance.

CeGaT Center for Human Genetics Tuebingen
Classification: Uncertain significance. Last evaluated: 2024-03-01. Review status: criteria provided, single submitter. Criteria: CeGaT Center For Human Genetics Tuebingen Variant Classification Criteria Version 2. Collection method: clinical testing. Allele origin: germline. Affected: yes. Observed: 1 variant allele.
Comment: AFF4: PM2, BP4

NM_014423.4(AFF4):c.830G>T (p.Ser277Ile)

Gene: AFF4 (ALF transcription elongation factor 4; minus strand). Cytogenetic location: 5q31.1.
Variant type: single nucleotide variant.
Coding change: c.830G>T on transcript NM_014423.4 (MANE Select); coding-DNA position 830, G replaced by T.
Protein change: p.Ser277Ile; replaces serine 277 with isoleucine.
Molecular consequence: missense variant.
Genome position (GRCh38, 1-based): chr5:132,934,235, C>A on the plus strand (G>T on the coding strand, the complement: AFF4 is on the minus strand). VCF-style: chr5-132934235-C-A. GRCh37 (hg19) VCF-style: chr5-132269927-C-A.
Other names: c.830G>T (NM_014423.3); short protein forms S277I.
Identifiers: ClinVar variation 1445144 (VCV001445144.33), dbSNP rs141068875, ClinGen allele CA360957690.